The following is an entry in ClinVar:

ClinVar aggregate classification (germline): Likely benign (1 of 4 stars; one submission).

Allele frequency attached by ClinVar (database versions not stated): ExAC 0.00001.
gnomAD v4.1: 7 of 1,610,970 alleles (0.00043%); highest among the groups gnomAD compares: Non-Finnish European, 0.00042%; no homozygotes.

Submission:

GeneDx
Classification: Likely benign. Last evaluated: 2016-05-05. Review status: criteria provided, single submitter. Criteria: GeneDx Variant Classification (06012015). Collection method: clinical testing. Allele origin: germline. Affected: yes.
Comment: This variant is considered likely benign or benign based on one or more of the following criteria: it is a conservative change, it occurs at a poorly conserved position in the protein, it is predicted to be benign by multiple in silico algorithms, and/or has population frequency not consistent with disease.

NM_024876.4(COQ8B):c.1297-13C>T

Gene: COQ8B (coenzyme Q8B; minus strand). Cytogenetic location: 19q13.2.
Variant type: single nucleotide variant.
Coding change: c.1297-13C>T on transcript NM_024876.4 (MANE Select); 13 bases into the intron before coding-DNA position 1297, C replaced by T.
Molecular consequence: intron variant.
Genome position (GRCh38, 1-based): chr19:40,692,386, G>A on the plus strand (C>T on the coding strand, the complement: COQ8B is on the minus strand). VCF-style: chr19-40692386-G-A. GRCh37 (hg19) VCF-style: chr19-41198291-G-A.
Other names: c.1174-13C>T (NM_001142555.3).
Identifiers: ClinVar variation 385574 (VCV000385574.1), dbSNP rs774086810, ClinGen allele CA9450048.